The following is an entry in ClinVar:

ClinVar aggregate classification (germline): Uncertain significance (1 of 4 stars; one submission).

Conditions:
NTRK1-related disorder. Also called: NTRK1-related condition.

gnomAD v4.1: 14 of 1,613,922 alleles (0.00087%); highest among the groups gnomAD compares: East Asian, 0.011%; no homozygotes.

Submission:

PreventionGenetics, part of Exact Sciences
Classification: Uncertain significance for NTRK1-related condition. Last evaluated: 2025-11-29. Review status: criteria provided, single submitter. Criteria: ACMG Guidelines, 2015. Collection method: clinical testing. Allele origin: germline.
Comment: The NTRK1 c.83G>A variant is predicted to result in the amino acid substitution p.Arg28Gln. This variant is referred to as c.83G>A (p.Arg28Gln) in the alternate transcript NM_001007792. To our knowledge, this variant has not been reported in the literature in individuals with NTRK1-related disorders. This variant is reported in 0.0062% of alleles in individuals of African descent in gnomAD. At this time, the clinical significance of this variant is uncertain due to the absence of conclusive functional and genetic evidence.

NM_001007792.1(NTRK1):c.83G>A (p.Arg28Gln)

Genes: INSRR (insulin receptor related receptor; minus strand), NTRK1 (neurotrophic receptor tyrosine kinase 1; plus strand). Cytogenetic location: 1q23.1.
Variant type: single nucleotide variant.
Coding change: c.83G>A on transcript NM_001007792.1; coding-DNA position 83, G replaced by A.
Protein change: p.Arg28Gln; replaces arginine 28 with glutamine.
Molecular consequence: missense variant.
Genome position (GRCh38, 1-based): chr1:156,842,154, G>A. VCF-style: chr1-156842154-G-A. GRCh37 (hg19) VCF-style: chr1-156811946-G-A.
Other names: c.3355C>T, p.Arg1119Cys (NM_014215.3); short protein forms R1119C, R28Q.
Identifiers: ClinVar variation 4986027 (VCV004986027.1).